The following is an entry in ClinVar:

ClinVar aggregate classification (germline): Uncertain significance (1 of 4 stars; one submission).

Conditions:
Hereditary cancer-predisposing syndrome. Also called: Neoplastic Syndromes, Hereditary; Tumor predisposition; Hereditary Cancer Syndrome; Hereditary neoplastic syndrome. Identifiers: Orphanet 140162, MedGen C0027672, MeSH D009386, MONDO:0015356.

Submission:

Ambry Genetics
Classification: Uncertain significance for Hereditary cancer-predisposing syndrome. Last evaluated: 2025-11-14. Review status: criteria provided, single submitter. Criteria: Ambry Variant Classification Scheme 2023. Collection method: clinical testing. Allele origin: germline.
Comment: The p.Q1447E variant (also known as c.4339C>G), located in coding exon 11 of the BRCA1 gene, results from a C to G substitution at nucleotide position 4339. The glutamine at codon 1447 is replaced by glutamic acid, an amino acid with highly similar properties. This amino acid position is not well conserved in available vertebrate species. In addition, this alteration is predicted to be tolerated by in silico analysis. Based on the available evidence, the clinical significance of this variant remains unclear.

NM_007294.4(BRCA1):c.4339C>G (p.Gln1447Glu)

Gene: BRCA1 (BRCA1 DNA repair associated; minus strand). Cytogenetic location: 17q21.31.
Variant type: single nucleotide variant.
Coding change: c.4339C>G on transcript NM_007294.4 (MANE Select); coding-DNA position 4339, C replaced by G.
Protein change: p.Gln1447Glu; replaces glutamine 1447 with glutamic acid.
Molecular consequence: missense variant.
Genome position (GRCh38, 1-based): chr17:43,082,422, G>C on the plus strand (C>G on the coding strand, the complement: BRCA1 is on the minus strand). VCF-style: chr17-43082422-G-C. GRCh37 (hg19) VCF-style: chr17-41234439-G-C.
Other names: c.949C>G, p.Gln317Glu (NM_001408413.1, NM_001408416.1); c.952C>G, p.Gln318Glu (NM_001408414.1, NM_001408415.1, NM_001408409.1 and 2 more transcripts); c.913C>G, p.Gln305Glu (NM_001408418.1, NM_001408419.1, NM_001408420.1 and 2 more transcripts); c.910C>G, p.Gln304Glu (NM_001408421.1, NM_001408424.1, NM_001408431.1); c.907C>G, p.Gln303Glu (NM_001408425.1, NM_001408426.1, NM_001408427.1 and 8 more transcripts); c.904C>G, p.Gln302Glu (NM_001408432.1, NM_001408433.1, NM_001408434.1 and 10 more transcripts); c.895C>G, p.Gln299Glu (NM_001408451.1); c.889C>G, p.Gln297Glu (NM_001408452.1, NM_001408453.1, NM_001408454.1 and 8 more transcripts); and 51 more; short protein forms Q1334E, Q1358E, Q1375E, Q1377E, Q1400E, Q1406E, Q1419E, Q1446E.
Identifiers: ClinVar variation 4625516 (VCV004625516.1).
Genomic context (GRCh38, chr17:43,082,422, plus strand): 5'-GAATTTTGCTTAAGATATCAGTGTTTGGCCAACAATACACACCTTTTTCTGATGTGCTTT[G>C]TTCTGGATTTCGCAGGTCCTCAAGGGCAGAAGAGTCACTTATGATGGAAGGGTAGCTGTT-3'
Protein context (NP_009225.1, residues 1437-1457): SALEDLRNPE[Gln1447Glu]STSEKAVLTS